The following is an entry in ClinVar:

NM_012073.5(CCT5):c.769C>A (p.Pro257Thr)

Gene: CCT5 (chaperonin containing TCP1 subunit 5; plus strand). Cytogenetic location: 5p15.2.
Variant type: single nucleotide variant.
Coding change: c.769C>A on transcript NM_012073.5 (MANE Select); coding-DNA position 769, C replaced by A.
Protein change: p.Pro257Thr; replaces proline 257 with threonine.
Molecular consequence: missense variant.
Genome position (GRCh38, 1-based): chr5:10,258,431, C>A. VCF-style: chr5-10258431-C-A. GRCh37 (hg19) VCF-style: chr5-10258543-C-A.
Other names: c.706C>A, p.Pro236Thr (NM_001306153.1); c.604C>A, p.Pro202Thr (NM_001306154.2); c.490C>A, p.Pro164Thr (NM_001306155.2); c.655C>A, p.Pro219Thr (NM_001306156.2); short protein forms P202T, P257T, P164T, P219T, P236T.
Identifiers: ClinVar variation 2133648 (VCV002133648.4), dbSNP rs1169397668, ClinGen allele CA359183075.

ClinVar aggregate classification (germline): Uncertain significance (1 of 4 stars; one submission).

Conditions:
Hereditary sensory and autonomic neuropathy with spastic paraplegia (HSNSP). Identifiers: Orphanet 139578, MedGen C1850395, MONDO:0009748, OMIM 256840.

Submission:

Labcorp Genetics (formerly Invitae), Labcorp
Classification: Uncertain significance for Hereditary sensory and autonomic neuropathy with spastic paraplegia. Last evaluated: 2022-05-05. Review status: criteria provided, single submitter. Criteria: Invitae Variant Classification Sherloc (09022015). Collection method: clinical testing. Allele origin: germline.
Comment: This variant is not present in population databases (gnomAD no frequency). This sequence change replaces proline, which is neutral and non-polar, with threonine, which is neutral and polar, at codon 257 of the CCT5 protein (p.Pro257Thr). This variant has not been reported in the literature in individuals affected with CCT5-related conditions. In summary, the available evidence is currently insufficient to determine the role of this variant in disease. Therefore, it has been classified as a Variant of Uncertain Significance. Algorithms developed to predict the effect of missense changes on protein structure and function (SIFT, PolyPhen-2, Align-GVGD) all suggest that this variant is likely to be disruptive.